The following is an entry in ClinVar:

ClinVar aggregate classification (germline): Uncertain significance. Review status: criteria provided, multiple submitters, no conflicts (2 of 4 stars). 2 submissions from 2 submitters: Uncertain significance (2). Last evaluated 2025-09-22.

Conditions:
Hereditary cancer-predisposing syndrome. Also called: Neoplastic Syndromes, Hereditary; Tumor predisposition; Hereditary Cancer Syndrome; Hereditary neoplastic syndrome. Identifiers: Orphanet 140162, MedGen C0027672, MeSH D009386, MONDO:0015356.
Fanconi anemia (FA). Also called: Fanconi's anemia. Identifiers: Orphanet 84, MedGen C0015625, MeSH D005199, MONDO:0019391.

Allele frequency attached by ClinVar (database versions not stated): gnomAD exomes below 0.00001; ExAC 0.00002.
gnomAD v4.1: 2 of 1,614,026 alleles (0.00012%); highest among the groups gnomAD compares: East Asian, 0.0022%; no homozygotes.

Submissions (2):

Labcorp Genetics (formerly Invitae), Labcorp
Classification: Uncertain significance for Fanconi anemia. Last evaluated: 2025-09-22. Review status: criteria provided, single submitter. Criteria: Invitae Variant Classification Sherloc (09022015). Collection method: clinical testing. Allele origin: germline.
Comment: This sequence change replaces proline, which is neutral and non-polar, with arginine, which is basic and polar, at codon 248 of the FANCC protein (p.Pro248Arg). This variant is present in population databases (rs779641307, gnomAD 0.01%). This missense change has been observed in individual(s) with breast cancer (PMID: 34326862). ClinVar contains an entry for this variant (Variation ID: 1758918). Invitae Evidence Modeling of protein sequence and biophysical properties (such as structural, functional, and spatial information, amino acid conservation, physicochemical variation, residue mobility, and thermodynamic stability) indicates that this missense variant is expected to disrupt FANCC protein function with a positive predictive value of 80%. In summary, the available evidence is currently insufficient to determine the role of this variant in disease. Therefore, it has been classified as a Variant of Uncertain Significance.

Ambry Genetics
Classification: Uncertain significance for Hereditary cancer-predisposing syndrome. Last evaluated: 2022-04-03. Review status: criteria provided, single submitter. Criteria: Ambry Variant Classification Scheme 2023. Collection method: clinical testing. Allele origin: germline.
Comment: The p.P248R variant (also known as c.743C>G), located in coding exon 7 of the FANCC gene, results from a C to G substitution at nucleotide position 743. The proline at codon 248 is replaced by arginine, an amino acid with dissimilar properties. This amino acid position is conserved. In addition, this alteration is predicted to be deleterious by in silico analysis. Since supporting evidence is limited at this time, the clinical significance of this alteration remains unclear.

Literature cited by the submitters: PubMed 34326862 (cited by Labcorp Genetics (formerly Invitae), Labcorp).

NM_000136.3(FANCC):c.743C>G (p.Pro248Arg)

Genes: AOPEP (aminopeptidase O (putative); plus strand), FANCC (FA complementation group C; minus strand). Cytogenetic location: 9q22.32.
Variant type: single nucleotide variant.
Coding change: c.743C>G on transcript NM_000136.3 (MANE Select); coding-DNA position 743, C replaced by G.
Protein change: p.Pro248Arg; replaces proline 248 with arginine.
Molecular consequence: missense variant.
Genome position (GRCh38, 1-based): chr9:95,135,446, G>C on the plus strand (C>G on the coding strand, the complement: FANCC is on the minus strand). VCF-style: chr9-95135446-G-C. GRCh37 (hg19) VCF-style: chr9-97897728-G-C.
Other names: c.743C>G, p.Pro248Arg (NM_001243743.2, NM_001243744.2); short protein forms P248R.
Identifiers: ClinVar variation 1758918 (VCV001758918.7), dbSNP rs779641307, ClinGen allele CA5137641.